The following is an entry in ClinVar:

ClinVar aggregate classification (germline): Uncertain significance (1 of 4 stars; one submission).

Allele frequency attached by ClinVar (database versions not stated): gnomAD 0.00001.
gnomAD v4.1: 1 of 1,614,038 alleles (0.000062%); highest among the groups gnomAD compares: African/African-American, 0.0013%; no homozygotes.

Submission:

Labcorp Genetics (formerly Invitae), Labcorp
Classification: Uncertain significance. Last evaluated: 2023-12-11. Review status: criteria provided, single submitter. Criteria: Invitae Variant Classification Sherloc (09022015). Collection method: clinical testing. Allele origin: germline.
Comment: This sequence change replaces valine, which is neutral and non-polar, with methionine, which is neutral and non-polar, at codon 388 of the TPP1 protein (p.Val388Met). This variant is not present in population databases (gnomAD no frequency). This variant has not been reported in the literature in individuals affected with TPP1-related conditions. ClinVar contains an entry for this variant (Variation ID: 1014918). Advanced modeling of protein sequence and biophysical properties (such as structural, functional, and spatial information, amino acid conservation, physicochemical variation, residue mobility, and thermodynamic stability) performed at Invitae indicates that this missense variant is expected to disrupt TPP1 protein function with a positive predictive value of 95%. In summary, the available evidence is currently insufficient to determine the role of this variant in disease. Therefore, it has been classified as a Variant of Uncertain Significance.

NM_000391.4(TPP1):c.1162G>A (p.Val388Met)

Gene: TPP1 (tripeptidyl peptidase 1; minus strand). Cytogenetic location: 11p15.4.
Variant type: single nucleotide variant.
Coding change: c.1162G>A on transcript NM_000391.4 (MANE Select); coding-DNA position 1162, G replaced by A.
Protein change: p.Val388Met; replaces valine 388 with methionine.
Molecular consequence: missense variant.
Genome position (GRCh38, 1-based): chr11:6,615,546, C>T on the plus strand (G>A on the coding strand, the complement: TPP1 is on the minus strand). VCF-style: chr11-6615546-C-T. GRCh37 (hg19) VCF-style: chr11-6636777-C-T.
Other names: short protein forms V388M.
Identifiers: ClinVar variation 1014918 (VCV001014918.7), dbSNP rs1855567562, ClinGen allele CA379473151.